The following is an entry in ClinVar:

NM_144687.4(NLRP12):c.2020G>C (p.Gly674Arg)

Gene: NLRP12 (NLR family pyrin domain containing 12; minus strand). Cytogenetic location: 19q13.42.
Variant type: single nucleotide variant.
Coding change: c.2020G>C on transcript NM_144687.4 (MANE Select); coding-DNA position 2020, G replaced by C.
Protein change: p.Gly674Arg; replaces glycine 674 with arginine.
Molecular consequence: missense variant.
Genome position (GRCh38, 1-based): chr19:53,809,639, C>G on the plus strand (G>C on the coding strand, the complement: NLRP12 is on the minus strand). VCF-style: chr19-53809639-C-G. GRCh37 (hg19) VCF-style: chr19-54312893-C-G.
Other names: c.2020G>C, p.Gly674Arg (NM_001277126.2, NM_001277129.1); short protein forms G674R.
Identifiers: ClinVar variation 2046216 (VCV002046216.4), dbSNP rs139937024, ClinGen allele CA310068520.

ClinVar aggregate classification (germline): Uncertain significance (1 of 4 stars; one submission).

Conditions:
Familial cold autoinflammatory syndrome 2 (FCAS2). Identifiers: Orphanet 247868, MedGen C2673198, MONDO:0012724, OMIM 611762.

Allele frequency attached by ClinVar (database versions not stated): ESP Exome Variant Server 0.00008.
gnomAD v4.1: 9 of 1,613,654 alleles (0.00056%); highest among the groups gnomAD compares: East Asian, 0.0045%; no homozygotes.

Submission:

Labcorp Genetics (formerly Invitae), Labcorp
Classification: Uncertain significance for Familial cold autoinflammatory syndrome 2. Last evaluated: 2022-01-02. Review status: criteria provided, single submitter. Criteria: Invitae Variant Classification Sherloc (09022015). Collection method: clinical testing. Allele origin: germline.
Comment: In summary, the available evidence is currently insufficient to determine the role of this variant in disease. Therefore, it has been classified as a Variant of Uncertain Significance. Algorithms developed to predict the effect of missense changes on protein structure and function output the following: SIFT: "Tolerated"; PolyPhen-2: "Benign"; Align-GVGD: "Class C0". The arginine amino acid residue is found in multiple mammalian species, which suggests that this missense change does not adversely affect protein function. This variant has not been reported in the literature in individuals affected with NLRP12-related conditions. This variant is present in population databases (rs139937024, gnomAD 0.06%). This sequence change replaces glycine, which is neutral and non-polar, with arginine, which is basic and polar, at codon 674 of the NLRP12 protein (p.Gly674Arg).